The following is an entry in ClinVar:

NM_006734.4(HIVEP2):c.1800G>A (p.Ser600=)

Gene: HIVEP2 (HIVEP zinc finger 2; minus strand). Cytogenetic location: 6q24.2.
Variant type: single nucleotide variant.
Coding change: c.1800G>A on transcript NM_006734.4 (MANE Select); coding-DNA position 1800, G replaced by A.
Protein change: p.Ser600=; no amino-acid change (serine 600 retained).
Molecular consequence: synonymous variant.
Genome position (GRCh38, 1-based): chr6:142,772,939, C>T on the plus strand (G>A on the coding strand, the complement: HIVEP2 is on the minus strand). VCF-style: chr6-142772939-C-T. GRCh37 (hg19) VCF-style: chr6-143094076-C-T.
Identifiers: ClinVar variation 2906756 (VCV002906756.9), dbSNP rs375815434, ClinGen allele CA4028531.

ClinVar aggregate classification (germline): Likely benign. Review status: criteria provided, multiple submitters, no conflicts (2 of 4 stars). 2 submissions from 2 submitters: Likely benign (2). Last evaluated 2025-11-01.

Allele frequency attached by ClinVar (database versions not stated): ExAC 0.00004; gnomAD 0.00005; ESP Exome Variant Server 0.00016.
gnomAD v4.1: 119 of 1,614,026 alleles (0.0074%); highest among the groups gnomAD compares: South Asian, 0.016%; no homozygotes.

Submissions (2):

CeGaT Center for Human Genetics Tuebingen
Classification: Likely benign. Last evaluated: 2025-11-01. Review status: criteria provided, single submitter. Criteria: CeGaT Center For Human Genetics Tuebingen Variant Classification Criteria Version 2. Collection method: clinical testing. Allele origin: germline. Affected: yes. Observed: 1 variant allele.
Comment: HIVEP2: BP4, BP7

Labcorp Genetics (formerly Invitae), Labcorp
Classification: Likely benign. Last evaluated: 2025-09-06. Review status: criteria provided, single submitter. Criteria: Invitae Variant Classification Sherloc (09022015). Collection method: clinical testing. Allele origin: germline.